The following is an entry in ClinVar:

ClinVar aggregate classification (germline): Uncertain significance. Review status: criteria provided, multiple submitters, no conflicts (2 of 4 stars). 4 submissions from 4 submitters: Uncertain significance (2). 2 of the submissions do not count toward it. Last evaluated 2026-04-01.

Conditions:
Usher syndrome type 2A. Also called: RETINAL DISEASE IN USHER SYNDROME TYPE IIA, MODIFIER OF; USHER SYNDROME, TYPE IIA. Identifiers: Orphanet 231178, Orphanet 886, MedGen C1848634, MONDO:0010169, OMIM 276901.

Allele frequency attached by ClinVar (database versions not stated): gnomAD exomes below 0.00001; gnomAD 0.00001.
gnomAD v4.1: 4 of 1,613,928 alleles (0.00025%); highest among the groups gnomAD compares: Middle Eastern, 0.016%; no homozygotes.

Submissions (4):

GeneDx
Classification: Uncertain significance. Last evaluated: 2026-04-01. Review status: criteria provided, single submitter. Criteria: GeneDx Variant Classification Process June 2021. Collection method: clinical testing. Allele origin: germline.
Comment: Not observed at significant frequency in large population cohorts (gnomAD); In silico analysis suggests that this missense variant does not alter protein structure/function; This variant is associated with the following publications: (PMID: 35754085)

Labcorp Genetics (formerly Invitae), Labcorp
Classification: Uncertain significance. Last evaluated: 2022-05-29. Review status: criteria provided, single submitter. Criteria: Invitae Variant Classification Sherloc (09022015). Collection method: clinical testing. Allele origin: germline.
Comment: This sequence change replaces asparagine, which is neutral and polar, with lysine, which is basic and polar, at codon 3278 of the USH2A protein (p.Asn3278Lys). This variant is not present in population databases (gnomAD no frequency). This variant has not been reported in the literature in individuals affected with USH2A-related conditions. ClinVar contains an entry for this variant (Variation ID: 949526). Algorithms developed to predict the effect of missense changes on protein structure and function output the following: SIFT: "Tolerated"; PolyPhen-2: "Benign"; Align-GVGD: "Class C0". The lysine amino acid residue is found in multiple mammalian species, which suggests that this missense change does not adversely affect protein function. In summary, the available evidence is currently insufficient to determine the role of this variant in disease. Therefore, it has been classified as a Variant of Uncertain Significance.

Natera, Inc.
Classification: Uncertain significance for Usher syndrome type 2A. Last evaluated: 2020-02-13. Review status: no assertion criteria provided. Collection method: clinical testing. Allele origin: germline. Not counted in ClinVar's aggregate classification.

Department of Pathology and Laboratory Medicine, Sinai Health System
Classification: Uncertain significance. Review status: no assertion criteria provided. Collection method: clinical testing. Allele origin: unknown. Affected: yes. Study: The Canadian Open Genetics Repository (COGR). Not counted in ClinVar's aggregate classification.
Comment: The USH2A p.Asn3278Lys variant was not identified in the literature nor was it identified in dbSNP, ClinVar, Cosmic, or LOVD 3.0. The variant was not identified in the following control databases: the 1000 Genomes Project, the NHLBI GO Exome Sequencing Project, the Exome Aggregation Consortium (August 8th 2016), or the Genome Aggregation Database (Feb 27, 2017). The p.Asn3278Lys residue is not conserved in mammals and four out of five computational analyses (PolyPhen-2, AlignGVGD, BLOSUM, MutationTaster) do not suggest a high likelihood of impact to the protein; however, this information is not predictive enough to rule out pathogenicity. The variant occurs outside of the splicing consensus sequence and in silico or computational prediction software programs (SpliceSiteFinder, MaxEntScan, NNSPLICE, GeneSplicer) do not predict a difference in splicing. In summary, based on the above information the clinical significance of this variant cannot be determined with certainty at this time. This variant is classified as a variant of uncertain significance.

NM_206933.4(USH2A):c.9834C>A (p.Asn3278Lys)

Gene: USH2A (usherin; minus strand). Cytogenetic location: 1q41.
Variant type: single nucleotide variant.
Coding change: c.9834C>A on transcript NM_206933.4 (MANE Select); coding-DNA position 9834, C replaced by A.
Protein change: p.Asn3278Lys; replaces asparagine 3278 with lysine.
Molecular consequence: missense variant.
Genome position (GRCh38, 1-based): chr1:215,799,031, G>T on the plus strand (C>A on the coding strand, the complement: USH2A is on the minus strand). VCF-style: chr1-215799031-G-T. GRCh37 (hg19) VCF-style: chr1-215972373-G-T.
Other names: short protein forms N3278K.
Identifiers: ClinVar variation 949526 (VCV000949526.6), dbSNP rs904037823, ClinGen allele CA37448586.